The following is an entry in ClinVar:

NM_002240.5(KCNJ6):c.667C>T (p.Arg223Trp)

Genes: KCNJ6 (potassium inwardly rectifying channel subfamily J member 6; minus strand), KCNJ6-AS1 (KCNJ6 antisense RNA 1; plus strand). Cytogenetic location: 21q22.13.
Variant type: single nucleotide variant.
Coding change: c.667C>T on transcript NM_002240.5 (MANE Select); coding-DNA position 667, C replaced by T.
Protein change: p.Arg223Trp; replaces arginine 223 with tryptophan.
Molecular consequence: missense variant. On other transcripts: non-coding transcript variant (1).
Genome position (GRCh38, 1-based): chr21:37,714,490, G>A on the plus strand (C>T on the coding strand, the complement: KCNJ6 is on the minus strand). VCF-style: chr21-37714490-G-A. GRCh37 (hg19) VCF-style: chr21-39086793-G-A.
Other names: short protein forms R223W.
Identifiers: ClinVar variation 3068985 (VCV003068985.2), dbSNP rs2518196780, ClinGen allele CA409968297.
Genomic context (GRCh38, chr21:37,714,490, plus strand): 5'-TGATCAACTTGGCTCTGATGGAAGCCTCCACAATGTGGGAATTCCTAAGGTCCCCTACCC[G>A]GAACATCAGGCACAGTTTCCCATCCCGCATGGAGATCACTGCATGGGTGGAAAAGACCAG-3'
Protein context (NP_002231.1, residues 213-233): MRDGKLCLMF[Arg223Trp]VGDLRNSHIV

ClinVar aggregate classification (germline): Uncertain significance (1 of 4 stars; one submission).

Allele frequency attached by ClinVar (database versions not stated): gnomAD exomes below 0.00001.
gnomAD v4.1: 1 of 1,614,084 alleles (0.000062%); highest among the groups gnomAD compares: Non-Finnish European, 0.000085%; no homozygotes.

Submission:

Women's Health and Genetics/Laboratory Corporation of America, LabCorp
Classification: Uncertain significance. Last evaluated: 2024-02-08. Review status: criteria provided, single submitter. Criteria: LabCorp Variant Classification Summary - May 2015. Collection method: clinical testing. Allele origin: germline.
Comment: Variant summary: KCNJ6 c.667C>T (p.Arg223Trp) results in a non-conservative amino acid change located in the Inward rectifier potassium channel, C-terminal domain (IPR041647) of the encoded protein sequence. Five of five in-silico tools predict a damaging effect of the variant on protein function. The variant was absent in 249572 control chromosomes (gnomAD). The available data on variant occurrences in the general population are insufficient to allow any conclusion about variant significance. To our knowledge, no occurrence of c.667C>T in individuals affected with Keppen-Lubinsky Syndrome and no experimental evidence demonstrating its impact on protein function have been reported. No submitters have cited clinical-significance assessments for this variant to ClinVar. Based on the evidence outlined above, the variant was classified as uncertain significance.